The following is an entry in ClinVar:

ClinVar aggregate classification (germline): Uncertain significance (1 of 4 stars; one submission).

Conditions:
Nephrotic syndrome, type 4 (NPHS4). Also called: Familial mesangial sclerosis; Nephrotic syndrome, early onset with diffuse mesangial sclerosis. Identifiers: Orphanet 656, MedGen C3151568, MONDO:0009733, OMIM 256370.

Submission:

Victorian Clinical Genetics Services, Murdoch Childrens Research Institute
Classification: Uncertain significance for Nephrotic syndrome, type 4. Last evaluated: 2025-08-19. Review status: criteria provided, single submitter. Criteria: ACMG Guidelines, 2015. Collection method: clinical testing. Allele origin: germline. Affected: yes.
Comment: This variant is classified as VUS-3A. Evidence in support of pathogenic classification: Variant is absent from gnomAD (v2, v3 and v4); This variant has limited previous evidence of pathogenicity in an unrelated individual(s). This variant has been reported in the literature in an individual from a FSGS cohort (PMID: 31308072). Additional information: Variant is predicted to result in a missense amino acid change from Ser to Phe; This variant is heterozygous; This gene is associated with autosomal dominant disease; No published evidence of segregation with disease has been identified for this variant; No published functional evidence has been identified for this variant; No comparable missense variants have previous evidence for pathogenicity; Variant is not located in an established domain, motif, hotspot or informative constraint region; Missense variant with inconclusive in silico prediction and uninformative conservation; Dominant negative is a known mechanism of disease in this gene and is associated with Denys-Drash syndrome (MIM#194080); Frasier syndrome (MIM#136680); Meacham syndrome (MIM#608978) and nephrotic syndrome, type 4 (MIM#256370). ClinGen has lumped the congenital malformation syndromes associated with the WT1 gene into the MONDO term, Denys-Drash syndrome (MONDO:0008682). Missense variants in exons 8 and 9 are associated with congenital nephrotic syndrome and disorders of sex development (PMID: 32352694). Loss of function is also a known mechanism of disease in this gene and is associated with Wilms tumour, type 1 (MIM#194070); Variants in this gene are known to have variable expressivity (PMID: 34727091, 32352694); Inheritance information for this variant is not currently available in this individual.

Literature cited by the submitters: PubMed 34727091; PubMed 31308072; PubMed 32352694.

NM_024426.6(WT1):c.509C>T (p.Ser170Phe)

Genes: WT1 (WT1 transcription factor; minus strand), LOC107982234 (WT1/WT1-AS bi-directional promoter region; plus strand). Cytogenetic location: 11p13.
Variant type: single nucleotide variant.
Coding change: c.509C>T on transcript NM_024426.6 (MANE Select); coding-DNA position 509, C replaced by T.
Protein change: p.Ser170Phe; replaces serine 170 with phenylalanine.
Molecular consequence: missense variant. On other transcripts: non-coding transcript variant (2).
Genome position (GRCh38, 1-based): chr11:32,434,852, G>A on the plus strand (C>T on the coding strand, the complement: WT1 is on the minus strand). VCF-style: chr11-32434852-G-A. GRCh37 (hg19) VCF-style: chr11-32456398-G-A.
Other names: c.509C>T, p.Ser170Phe (NM_000378.6, NM_001407044.1, NM_001407045.1 and 6 more transcripts); c.290C>T, p.Ser97Phe (NM_001429031.1, NM_001429032.1, NM_001429033.1 and 1 more transcripts); short protein forms S165F, S170F, S97F.
Identifiers: ClinVar variation 4531902 (VCV004531902.1).